The following is an entry in ClinVar:

NM_006206.6(PDGFRA):c.1850G>T (p.Arg617Leu)

Gene: PDGFRA (platelet derived growth factor receptor alpha; plus strand). Cytogenetic location: 4q12.
Variant type: single nucleotide variant.
Coding change: c.1850G>T on transcript NM_006206.6 (MANE Select); coding-DNA position 1850, G replaced by T.
Protein change: p.Arg617Leu; replaces arginine 617 with leucine.
Molecular consequence: missense variant.
Genome position (GRCh38, 1-based): chr4:54,277,451, G>T. VCF-style: chr4-54277451-G-T. GRCh37 (hg19) VCF-style: chr4-55143618-G-T.
Other names: c.1850G>T, p.Arg617Leu (NM_001347827.2, NM_001347829.2); c.1925G>T, p.Arg642Leu (NM_001347828.2); c.1889G>T, p.Arg630Leu (NM_001347830.2); short protein forms R617L, R642L, R630L.
Identifiers: ClinVar variation 3305469 (VCV003305469.3).

ClinVar aggregate classification (germline): Uncertain significance. Review status: criteria provided, multiple submitters, no conflicts (2 of 4 stars). 2 submissions from 2 submitters: Uncertain significance (2). Last evaluated 2024-06-07.

Conditions:
Hereditary cancer-predisposing syndrome. Also called: Neoplastic Syndromes, Hereditary; Tumor predisposition; Hereditary Cancer Syndrome; Hereditary neoplastic syndrome. Identifiers: Orphanet 140162, MedGen C0027672, MeSH D009386, MONDO:0015356.
Gastrointestinal stromal tumor. Also called: Gastrointestinal stromal tumor, somatic; Gastrointestinal stroma tumor. Identifiers: Orphanet 44890, MedGen C0238198, MeSH D046152, MONDO:0011719, OMIM 606764, HP:0100723.

Submissions (2):

Labcorp Genetics (formerly Invitae), Labcorp
Classification: Uncertain significance for Gastrointestinal stromal tumor. Last evaluated: 2024-06-07. Review status: criteria provided, single submitter. Criteria: Invitae Variant Classification Sherloc (09022015). Collection method: clinical testing. Allele origin: germline.
Comment: This sequence change replaces arginine, which is basic and polar, with leucine, which is neutral and non-polar, at codon 617 of the PDGFRA protein (p.Arg617Leu). This variant is not present in population databases (gnomAD no frequency). This variant has not been reported in the literature in individuals affected with PDGFRA-related conditions. Advanced modeling of protein sequence and biophysical properties (such as structural, functional, and spatial information, amino acid conservation, physicochemical variation, residue mobility, and thermodynamic stability) performed at Invitae indicates that this missense variant is not expected to disrupt PDGFRA protein function with a negative predictive value of 80%. In summary, the available evidence is currently insufficient to determine the role of this variant in disease. Therefore, it has been classified as a Variant of Uncertain Significance.

Ambry Genetics
Classification: Uncertain significance for Hereditary cancer-predisposing syndrome. Last evaluated: 2024-04-07. Review status: criteria provided, single submitter. Criteria: Ambry Variant Classification Scheme 2023. Collection method: clinical testing. Allele origin: germline.
Comment: The p.R617L variant (also known as c.1850G>T), located in coding exon 12 of the PDGFRA gene, results from a G to T substitution at nucleotide position 1850. The arginine at codon 617 is replaced by leucine, an amino acid with dissimilar properties. This amino acid position is conserved. In addition, the in silico prediction for this alteration is inconclusive. Based on the available evidence, the clinical significance of this variant remains unclear.